The following is an entry in ClinVar:

ClinVar aggregate classification (germline): Benign. Review status: criteria provided, multiple submitters, no conflicts (2 of 4 stars). 5 submissions from 5 submitters: Benign (5). Last evaluated 2022-10-04.

Conditions:
Amyotrophic lateral sclerosis type 1 (ALS1). Also called: AMYOTROPHIC LATERAL SCLEROSIS 1, FAMILIAL. Identifiers: Orphanet 803, MedGen C1862939, MONDO:0007103, OMIM 105400.

Allele frequency attached by ClinVar (database versions not stated): TOPMed 0.04282; 1000 Genomes Project 30x 0.04216; 1000 Genomes Project 0.03934; gnomAD 0.03982.

Submissions (5):

Labcorp Genetics (formerly Invitae), Labcorp
Classification: Benign for Amyotrophic lateral sclerosis type 1. Last evaluated: 2022-10-04. Review status: criteria provided, single submitter. Criteria: Invitae Variant Classification Sherloc (09022015). Collection method: clinical testing. Allele origin: germline.

ARUP Laboratories, Molecular Genetics and Genomics, ARUP Laboratories
Classification: Benign. Last evaluated: 2022-03-01. Review status: criteria provided, single submitter. Criteria: ARUP Molecular Germline Variant Investigation Process 2021. Collection method: clinical testing. Allele origin: germline.

GeneDx
Classification: Benign. Last evaluated: 2019-02-18. Review status: criteria provided, single submitter. Criteria: GeneDx Variant Classification Process June 2021. Collection method: clinical testing. Allele origin: germline. Affected: yes.
Comment: This variant is associated with the following publications: (PMID: 17636481)

Illumina Laboratory Services, Illumina
Classification: Benign for Amyotrophic lateral sclerosis type 1. Last evaluated: 2018-03-06. Review status: criteria provided, single submitter. Criteria: ICSL Variant Classification Criteria 13 December 2019. Collection method: clinical testing. Allele origin: germline.
Comment: This variant was observed in the ICSL laboratory as part of a predisposition screen in an ostensibly healthy population. It had not been previously curated by ICSL or reported in the Human Gene Mutation Database (HGMD: prior to June 1st, 2018), and was therefore a candidate for classification through an automated scoring system. Utilizing variant allele frequency, disease prevalence and penetrance estimates, and inheritance mode, an automated score was calculated to assess if this variant is too frequent to cause the disease. Based on the score and internal cut-off values, a variant classified as benign is not then subjected to further curation. The score for this variant resulted in a classification of benign for this disease.

Breakthrough Genomics
Classification: Benign. Review status: criteria provided, single submitter. Criteria: ACMG Guidelines, 2015. Collection method: not provided. Allele origin: germline. Inheritance: Autosomal recessive inheritance. Affected: yes.

NC_000021.9:g.31659661A>G

Genes: SOD1 (superoxide dismutase 1; plus strand), SOD1-DT (SOD1 divergent transcript; minus strand). Cytogenetic location: 21q22.11.
Variant type: single nucleotide variant.
Molecular consequence: non-coding transcript variant (on NR_187558.1).
Genome position: GRCh38 VCF-style: chr21-31659661-A-G. GRCh37 (hg19) VCF-style: chr21-33031974-A-G.
Other names: c.-109A>G (NM_000454.4).
Identifiers: ClinVar variation 339660 (VCV000339660.62), dbSNP rs7277748, ClinGen allele CA10653486.
Genomic context (GRCh38, chr21:31,659,661, plus strand): 5'-TGAGCGCGTGCGAGGCGATTGGTTTGGGGCCAGAGTGGGCGAGGCGCGGAGGTCTGGCCT[A>G]TAAAGTAGTCGCGGAGACGGGGTGCTGGTTTGCGTCGTAGTCTCCTGCAGCGTCTGGGGT-3'